The following is an entry in ClinVar:

NM_001082971.2(DDC):c.494A>G (p.His165Arg)

Gene: DDC (dopa decarboxylase; minus strand). Cytogenetic location: 7p12.1.
Variant type: single nucleotide variant.
Coding change: c.494A>G on transcript NM_001082971.2 (MANE Select); coding-DNA position 494, A replaced by G.
Protein change: p.His165Arg; replaces histidine 165 with arginine.
Molecular consequence: missense variant. On other transcripts: intron variant (1).
Genome position (GRCh38, 1-based): chr7:50,529,284, T>C on the plus strand (A>G on the coding strand, the complement: DDC is on the minus strand). VCF-style: chr7-50529284-T-C. GRCh37 (hg19) VCF-style: chr7-50596982-T-C.
Other names: c.494A>G, p.His165Arg (NM_000790.4, NM_001242887.2, NM_001242890.2); c.380A>G, p.His127Arg (NM_001242886.2); c.260A>G, p.His87Arg (NM_001242888.2); c.435+8576A>G (NM_001242889.2); short protein forms H127R, H165R, H87R.
Identifiers: ClinVar variation 2415208 (VCV002415208.7), dbSNP rs2535406286, ClinGen allele CA367526756.

ClinVar aggregate classification (germline): Uncertain significance (1 of 4 stars; one submission).

Conditions:
Deficiency of aromatic-L-amino-acid decarboxylase. Also called: AADC DEFICIENCY; DDC DEFICIENCY; DOPA DECARBOXYLASE DEFICIENCY; Aromatic L-Amino Acid Decarboxylase Deficiency; Aromatic amino acid decarboxylase deficiency. Identifiers: Orphanet 35708, MedGen C1291564, MONDO:0012084, OMIM 608643.

Submission:

Labcorp Genetics (formerly Invitae), Labcorp
Classification: Uncertain significance for Deficiency of aromatic-L-amino-acid decarboxylase. Last evaluated: 2021-12-19. Review status: criteria provided, single submitter. Criteria: Invitae Variant Classification Sherloc (09022015). Collection method: clinical testing. Allele origin: germline.
Comment: In summary, the available evidence is currently insufficient to determine the role of this variant in disease. Therefore, it has been classified as a Variant of Uncertain Significance. Algorithms developed to predict the effect of missense changes on protein structure and function output the following: SIFT: "Tolerated"; PolyPhen-2: "Benign"; Align-GVGD: "Class C0". The arginine amino acid residue is found in multiple mammalian species, which suggests that this missense change does not adversely affect protein function. This variant has not been reported in the literature in individuals affected with DDC-related conditions. This variant is not present in population databases (gnomAD no frequency). This sequence change replaces histidine, which is basic and polar, with arginine, which is basic and polar, at codon 165 of the DDC protein (p.His165Arg).